The following is an entry in ClinVar:

NM_001003787.4(STRADA):c.330G>A (p.Glu110=)

Gene: STRADA (STE20 related adaptor alpha; minus strand). Cytogenetic location: 17q23.3.
Variant type: single nucleotide variant.
Coding change: c.330G>A on transcript NM_001003787.4 (MANE Select); coding-DNA position 330, G replaced by A.
Protein change: p.Glu110=; no amino-acid change (glutamic acid 110 retained).
Molecular consequence: synonymous variant. On other transcripts: non-coding transcript variant (1).
Genome position (GRCh38, 1-based): chr17:63,713,424, C>T on the plus strand (G>A on the coding strand, the complement: STRADA is on the minus strand). VCF-style: chr17-63713424-C-T. GRCh37 (hg19) VCF-style: chr17-61790784-C-T.
Other names: c.219G>A, p.Glu73= (NM_001003786.3, NM_001363789.1, NM_153335.6); c.156G>A, p.Glu52= (NM_001003788.3, NM_001363790.1, NM_001363791.1); c.243G>A, p.Glu81= (NM_001165969.2, NM_001363787.1); c.198G>A, p.Glu66= (NM_001165970.2); c.306G>A, p.Glu102= (NM_001363786.1); c.330G>A, p.Glu110= (NM_001363788.1); c.330G>A (NM_001003787.2).
Identifiers: ClinVar variation 1150372 (VCV001150372.10), dbSNP rs377373337, ClinGen allele CA8703433.
Genomic context (GRCh38, chr17:63,713,424, plus strand): 5'-GAGCCCACCCTCCCTCCATGTGACACACTCATGGTTTATTACCTGCAAGAATGTTACCAT[C>T]TCATTGGAACAAGCTTCTAGGTTAATCCTCCGTACAGTCACGTACTCTCCTGTTGGTTTG-3'
Protein context (NP_001003787.1, residues 100-120): RRINLEACSN[Glu110=]MVTFLQGELH

ClinVar aggregate classification (germline): Likely benign. Review status: criteria provided, single submitter (1 of 4 stars). 2 submissions from 2 submitters: Likely benign (1). 1 of the submissions does not count toward it. Last evaluated 2026-01-22.

Conditions:
STRADA-related disorder. Also called: STRADA-related condition.
Polyhydramnios, megalencephaly, and symptomatic epilepsy (PMSE). Also called: PMSE SYNDROME. Identifiers: Orphanet 500533, MedGen C1970203, MONDO:0012611, OMIM 611087.

Allele frequency attached by ClinVar (database versions not stated): gnomAD 0.00011 and 0.00014; gnomAD exomes 0.00001 and 0.00003; TOPMed 0.00017; ExAC 0.00002; ESP Exome Variant Server 0.00008.
gnomAD v4.1: 32 of 1,613,914 alleles (0.002%); highest among the groups gnomAD compares: African/African-American, 0.039%; no homozygotes.

Submissions (2):

Labcorp Genetics (formerly Invitae), Labcorp
Classification: Likely benign for Polyhydramnios, megalencephaly, and symptomatic epilepsy. Last evaluated: 2026-01-22. Review status: criteria provided, single submitter. Criteria: Invitae Variant Classification Sherloc (09022015). Collection method: clinical testing. Allele origin: germline.

PreventionGenetics, part of Exact Sciences
Classification: Likely benign for STRADA-related condition. Last evaluated: 2024-08-15. Review status: no assertion criteria provided. Collection method: clinical testing. Allele origin: germline. Not counted in ClinVar's aggregate classification.
Comment: This variant is classified as likely benign based on ACMG/AMP sequence variant interpretation guidelines (Richards et al. 2015 PMID: 25741868, with internal and published modifications).